The following is an entry in ClinVar:

NM_001267550.2(TTN):c.95727C>T (p.Thr31909=)

Genes: TTN (titin; minus strand), TTN-AS1 (TTN antisense RNA 1; plus strand). Cytogenetic location: 2q31.2.
Variant type: single nucleotide variant.
Coding change: c.95727C>T on transcript NM_001267550.2 (MANE Select); coding-DNA position 95727, C replaced by T.
Protein change: p.Thr31909=; no amino-acid change (threonine 31909 retained).
Molecular consequence: synonymous variant.
Genome position (GRCh38, 1-based): chr2:178,544,502, G>A on the plus strand (C>T on the coding strand, the complement: TTN is on the minus strand). VCF-style: chr2-178544502-G-A. GRCh37 (hg19) VCF-style: chr2-179409229-G-A.
Other names: c.90804C>T, p.Thr30268= (NM_001256850.1); c.68532C>T, p.Thr22844= (NM_003319.4); c.88023C>T, p.Thr29341= (NM_133378.4); c.68907C>T, p.Thr22969= (NM_133432.3); c.69108C>T, p.Thr23036= (NM_133437.4).
Identifiers: ClinVar variation 191844 (VCV000191844.1), dbSNP rs786205296, ClinGen allele CA237683.

ClinVar aggregate classification (germline): Uncertain significance (1 of 4 stars; one submission).

Submission:

Biesecker Lab/Clinical Genomics Section, National Institutes of Health
Classification: Uncertain significance. Last evaluated: 2013-06-24. Review status: criteria provided, single submitter. Criteria: Ng et al. (Circ Cardiovasc Genet. 2013). Collection method: research. Allele origin: unknown. Observed: 1 variant allele. Study: ClinSeq.
Comment: The study set was not selected for affection status in relation to any cancer. Pathogenicity categories were based on literature curation. See Pubmed ID:23861362 for details.

Medical sequencing